The following is an entry in ClinVar:

NM_000465.4(BARD1):c.1229G>C (p.Ser410Thr)

Gene: BARD1 (BRCA1 associated RING domain 1; minus strand). Cytogenetic location: 2q35.
Variant type: single nucleotide variant.
Coding change: c.1229G>C on transcript NM_000465.4 (MANE Select); coding-DNA position 1229, G replaced by C.
Protein change: p.Ser410Thr; replaces serine 410 with threonine.
Molecular consequence: missense variant. On other transcripts: non-coding transcript variant (2), intron variant (3).
Genome position (GRCh38, 1-based): chr2:214,780,645, C>G on the plus strand (G>C on the coding strand, the complement: BARD1 is on the minus strand). VCF-style: chr2-214780645-C-G. GRCh37 (hg19) VCF-style: chr2-215645369-C-G.
Other names: c.1172G>C, p.Ser391Thr (NM_001282543.2); c.159-28090G>C (NM_001282548.2); c.215+16416G>C (NM_001282545.2); c.364+11652G>C (NM_001282549.2); short protein forms S410T, S391T.
Identifiers: ClinVar variation 4824130 (VCV004824130.1).

ClinVar aggregate classification (germline): Uncertain significance (1 of 4 stars; one submission).

Conditions:
Hereditary cancer-predisposing syndrome. Also called: Neoplastic Syndromes, Hereditary; Hereditary neoplastic syndrome; Tumor predisposition; Hereditary Cancer Syndrome. Identifiers: Orphanet 140162, MedGen C0027672, MeSH D009386, MONDO:0015356.

Submission:

Ambry Genetics
Classification: Uncertain significance for Hereditary cancer-predisposing syndrome. Last evaluated: 2026-02-13. Review status: criteria provided, single submitter. Criteria: Ambry Variant Classification Scheme 2023. Collection method: clinical testing. Allele origin: germline.
Comment: The p.S410T variant (also known as c.1229G>C), located in coding exon 4 of the BARD1 gene, results from a G to C substitution at nucleotide position 1229. The serine at codon 410 is replaced by threonine, an amino acid with similar properties. This amino acid position is well conserved in available vertebrate species. In addition, this alteration is predicted to be tolerated by in silico analysis. Based on the available evidence, the clinical significance of this variant remains unclear.